The following is an entry in ClinVar:

NM_001042492.3(NF1):c.4466G>A (p.Ser1489Asn)

Gene: NF1 (neurofibromin 1; plus strand). Cytogenetic location: 17q11.2.
Variant type: single nucleotide variant.
Coding change: c.4466G>A on transcript NM_001042492.3 (MANE Select); coding-DNA position 4466, G replaced by A.
Protein change: p.Ser1489Asn; replaces serine 1489 with asparagine.
Molecular consequence: missense variant.
Genome position (GRCh38, 1-based): chr17:31,260,404, G>A. VCF-style: chr17-31260404-G-A. GRCh37 (hg19) VCF-style: chr17-29587422-G-A.
Other names: c.4403G>A, p.Ser1468Asn (NM_000267.4); short protein forms S1489N, S1468N.
Identifiers: ClinVar variation 947570 (VCV000947570.6), dbSNP rs2067663434, ClinGen allele CA398999304.

ClinVar aggregate classification (germline): Uncertain significance (1 of 4 stars; one submission).

Conditions:
Neurofibromatosis, type 1 (NF1). Also called: Peripheral type neurofibromatosis; Neurofibromatosis, type I; VON RECKLINGHAUSEN DISEASE; NEUROFIBROMATOSIS, TYPE I, SOMATIC. Identifiers: Orphanet 636, MedGen C0027831, MONDO:0018975, OMIM 162200. Disease mechanism: loss of function.

Submission:

Labcorp Genetics (formerly Invitae), Labcorp
Classification: Uncertain significance for Neurofibromatosis, type 1. Last evaluated: 2021-01-22. Review status: criteria provided, single submitter. Criteria: Invitae Variant Classification Sherloc (09022015). Collection method: clinical testing. Allele origin: germline.
Comment: In summary, the available evidence is currently insufficient to determine the role of this variant in disease. Therefore, it has been classified as a Variant of Uncertain Significance. This variant disrupts the p.Ser1468 amino acid residue in NF1. Other variant(s) that disrupt this residue have been determined to be pathogenic (PMID: 9003501, 23913538, 25480383, 26056819, 27838393). This suggests that this residue is clinically significant, and that variants that disrupt this residue are likely to be disease-causing. Algorithms developed to predict the effect of missense changes on protein structure and function are either unavailable or do not agree on the potential impact of this missense change (SIFT: "Tolerated"; PolyPhen-2: "Probably Damaging"; Align-GVGD: "Class C0"). This variant has not been reported in the literature in individuals with NF1-related conditions. This variant is not present in population databases (ExAC no frequency). This sequence change replaces serine with asparagine at codon 1468 of the NF1 protein (p.Ser1468Asn). The serine residue is moderately conserved and there is a small physicochemical difference between serine and asparagine.

Literature cited by the submitters: PubMed 9003501; PubMed 23913538; PubMed 25480383; PubMed 26056819; PubMed 27838393.